The following is an entry in ClinVar:

NM_003002.4(SDHD):c.-4C>A

Genes: SDHD (succinate dehydrogenase complex subunit D; plus strand), LOC126861339 (BRD4-independent group 4 enhancer GRCh37_chr11:111957035-111958234; plus strand). Cytogenetic location: 11q23.1.
Variant type: single nucleotide variant.
Coding change: c.-4C>A on transcript NM_003002.4 (MANE Select); 4 bases upstream of the start codon, C replaced by A.
Molecular consequence: 5 prime UTR variant. On other transcripts: non-coding transcript variant (1).
Genome position (GRCh38, 1-based): chr11:112,086,904, C>A. VCF-style: chr11-112086904-C-A. GRCh37 (hg19) VCF-style: chr11-111957628-C-A.
Other names: c.-4C>A (NM_003002.2, NM_001276503.2, NM_001276504.2 and 1 more transcripts).
Identifiers: ClinVar variation 1320373 (VCV001320373.4), dbSNP rs540552714, ClinGen allele CA2573053426.

ClinVar aggregate classification (germline): Uncertain significance. Review status: criteria provided, multiple submitters, no conflicts (2 of 4 stars). 3 submissions from 3 submitters: Uncertain significance (3). Last evaluated 2025-07-25.

Conditions:
Hereditary pheochromocytoma and paraganglioma. Also called: Hereditary Paraganglioma-Pheochromocytoma Syndromes; Hereditary pheochromocytoma-paraganglioma; Hereditary paragangliomas and pheochromocytomas. Identifiers: Orphanet 29072, MedGen C4274332, MONDO:0017366.
Hereditary cancer-predisposing syndrome. Also called: Hereditary Cancer Syndrome; Hereditary neoplastic syndrome; Neoplastic Syndromes, Hereditary; Tumor predisposition. Identifiers: Orphanet 140162, MedGen C0027672, MeSH D009386, MONDO:0015356.

Submissions (3):

Ambry Genetics
Classification: Uncertain significance for Hereditary cancer-predisposing syndrome. Last evaluated: 2025-07-25. Review status: criteria provided, single submitter. Criteria: Ambry Variant Classification Scheme 2023. Collection method: clinical testing. Allele origin: germline.
Comment: The c.-4C>A variant is located in the 5' untranslated region (5&rsquo; UTR) of the SDHD gene. This variant results from a C to A substitution 4 bases upstream from the first translated codon. This nucleotide position is not well conserved in available vertebrate species. Based on the available evidence, the clinical significance of this variant remains unclear.

Color Diagnostics, LLC DBA Color Health
Classification: Uncertain significance for Hereditary pheochromocytoma and paraganglioma. Last evaluated: 2025-06-03. Review status: criteria provided, single submitter. Criteria: ACMG Guidelines, 2015. Collection method: clinical testing. Allele origin: germline.
Comment: This variant is located in the 5' untranslated region of the SDHD gene. To our knowledge, functional studies have not been reported for this variant. This variant has not been reported in individuals affected with SDHD-related disorders in the literature. This variant has not been identified in the general population by the Genome Aggregation Database (gnomAD). The available evidence is insufficient to determine the role of this variant in disease conclusively. Therefore, this variant is classified as a Variant of Uncertain Significance.

GeneDx
Classification: Uncertain significance. Last evaluated: 2020-12-21. Review status: criteria provided, single submitter. Criteria: GeneDx Variant Classification Process June 2021. Collection method: clinical testing. Allele origin: germline. Affected: yes.
Comment: Describes a nucleotide substitution 4 base pairs upstream of the ATG translational start site of the SDHD gene, occurring in the Kozak sequence, the conserved nucleotides just upstream of the ATG start codon, which play a major role in the initiation of translation; Nucleotide substitution has no predicted effect on splicing and is not conserved across species; Not observed in large population cohorts (Lek 2016); Has not been previously published as pathogenic or benign to our knowledge